The following is an entry in ClinVar:

ClinVar aggregate classification (germline): Uncertain significance (1 of 4 stars; one submission).

Conditions:
Ehlers-Danlos syndrome, classic type, 1 (EDSCL1). Also called: EHLERS-DANLOS SYNDROME, GRAVIS TYPE; EHLERS-DANLOS SYNDROME, SEVERE CLASSIC TYPE; Ehlers-Danlos syndrome, type 1; Ehlers-Danlos Syndrome, Classic Type, COL5A1-Related; EDS I. Identifiers: MedGen C0268335, MONDO:0019567, OMIM 130000.
Osteogenesis imperfecta type I (OI1). Also called: OI, TYPE I; OSTEOGENESIS IMPERFECTA TARDA; OSTEOGENESIS IMPERFECTA WITH BLUE SCLERAE; Osteogenesis imperfecta type 1; Lobstein's Disease; Lobstein disease. Identifiers: Orphanet 216796, Orphanet 666, MedGen C0023931, MONDO:0008146, OMIM 166200. Disease mechanism: loss of function.

gnomAD v4.1: 1 of 1,614,206 alleles (0.000062%); highest among the groups gnomAD compares: Non-Finnish European, 0.000085%; no homozygotes.

Submission:

Labcorp Genetics (formerly Invitae), Labcorp
Classification: Uncertain significance for Osteogenesis imperfecta type I; Ehlers-Danlos syndrome, classic type, 1. Last evaluated: 2025-07-24. Review status: criteria provided, single submitter. Criteria: Invitae Variant Classification Sherloc (09022015). Collection method: clinical testing. Allele origin: germline.
Comment: This sequence change replaces alanine, which is neutral and non-polar, with serine, which is neutral and polar, at codon 720 of the COL1A2 protein (p.Ala720Ser). This variant is not present in population databases (gnomAD no frequency). This variant has not been reported in the literature in individuals affected with COL1A2-related conditions. Invitae Evidence Modeling of protein sequence and biophysical properties (such as structural, functional, and spatial information, amino acid conservation, physicochemical variation, residue mobility, and thermodynamic stability) indicates that this missense variant is not expected to disrupt COL1A2 protein function with a negative predictive value of 95%. In summary, the available evidence is currently insufficient to determine the role of this variant in disease. Therefore, it has been classified as a Variant of Uncertain Significance.

NM_000089.4(COL1A2):c.2158G>T (p.Ala720Ser)

Gene: COL1A2 (collagen type I alpha 2 chain; plus strand). Cytogenetic location: 7q21.3.
Variant type: single nucleotide variant.
Coding change: c.2158G>T on transcript NM_000089.4 (MANE Select); coding-DNA position 2158, G replaced by T.
Protein change: p.Ala720Ser; replaces alanine 720 with serine.
Molecular consequence: missense variant.
Genome position (GRCh38, 1-based): chr7:94,420,415, G>T. VCF-style: chr7-94420415-G-T. GRCh37 (hg19) VCF-style: chr7-94049727-G-T.
Other names: short protein forms A720S.
Identifiers: ClinVar variation 4791129 (VCV004791129.1).